The following is an entry in ClinVar:

ClinVar aggregate classification (germline): Uncertain significance (1 of 4 stars; one submission).

Conditions:
Inborn genetic diseases. Identifiers: MedGen C0950123, MeSH D030342.

Submission:

Ambry Genetics
Classification: Uncertain significance for Inborn genetic diseases. Last evaluated: 2025-04-29. Review status: criteria provided, single submitter. Criteria: Ambry Variant Classification Scheme 2023. Collection method: clinical testing. Allele origin: germline.
Comment: The p.L751P variant (also known as c.2252T>C), located in coding exon 1 of the SAMD9 gene, results from a T to C substitution at nucleotide position 2252. The leucine at codon 751 is replaced by proline, an amino acid with similar properties. This amino acid position is conserved. In addition, this alteration is predicted to be deleterious by in silico analysis. Based on the available evidence, the clinical significance of this variant remains unclear.

NM_017654.4(SAMD9):c.2252T>C (p.Leu751Pro)

Gene: SAMD9 (sterile alpha motif domain containing 9; minus strand). Cytogenetic location: 7q21.2.
Variant type: single nucleotide variant.
Coding change: c.2252T>C on transcript NM_017654.4 (MANE Select); coding-DNA position 2252, T replaced by C.
Protein change: p.Leu751Pro; replaces leucine 751 with proline.
Molecular consequence: missense variant.
Genome position (GRCh38, 1-based): chr7:93,103,846, A>G on the plus strand (T>C on the coding strand, the complement: SAMD9 is on the minus strand). VCF-style: chr7-93103846-A-G. GRCh37 (hg19) VCF-style: chr7-92733159-A-G.
Other names: c.2252T>C, p.Leu751Pro (NM_001193307.2); short protein forms L751P.
Identifiers: ClinVar variation 3949597 (VCV003949597.1).
Genomic context (GRCh38, chr7:93,103,846, plus strand): 5'-GAAAAATCCACTGTCTTGTTTTTCAGCACAGCACATCTGAATTTCTTCCTTAGTTCCCAG[A>G]GAATGTGCATAGCCAAGGTAGTTCCCCCACAGCCTGGATGATGATACAGATGAATAATTT-3'
Protein context (NP_060124.2, residues 741-761): CGGTTLAMHI[Leu751Pro]WELRKKFRCA